The following is an entry in ClinVar:

ClinVar aggregate classification (germline): Uncertain significance (1 of 4 stars; one submission).

gnomAD v4.1: 1 of 1,613,150 alleles (0.000062%); highest among the groups gnomAD compares: Non-Finnish European, 0.000085%; no homozygotes.

Submission:

Women's Health and Genetics/Laboratory Corporation of America, LabCorp
Classification: Uncertain significance. Last evaluated: 2025-12-12. Review status: criteria provided, single submitter. Criteria: LabCorp Variant Classification Summary - May 2015. Collection method: clinical testing. Allele origin: germline.
Comment: Variant summary: ZNF292 c.7525A>G (p.Asn2509Asp) results in a conservative amino acid change in the encoded protein sequence. Algorithms developed to predict the effect of missense changes on protein structure and function all suggest that this variant is likely to be tolerated. The variant was absent in 246678 control chromosomes. The available data on variant occurrences in the general population are insufficient to allow any conclusion about variant significance. To our knowledge, no occurrence of c.7525A>G in individuals affected with ZNF292-related conditions and no experimental evidence demonstrating its impact on protein function have been reported. No submitters have cited clinical-significance assessments for this variant to ClinVar. Based on the evidence outlined above, the variant was classified as uncertain significance.

NM_015021.3(ZNF292):c.7525A>G (p.Asn2509Asp)

Gene: ZNF292 (zinc finger protein 292; plus strand). Cytogenetic location: 6q14.3.
Variant type: single nucleotide variant.
Coding change: c.7525A>G on transcript NM_015021.3 (MANE Select); coding-DNA position 7525, A replaced by G.
Protein change: p.Asn2509Asp; replaces asparagine 2509 with aspartic acid.
Molecular consequence: missense variant.
Genome position (GRCh38, 1-based): chr6:87,261,154, A>G. VCF-style: chr6-87261154-A-G. GRCh37 (hg19) VCF-style: chr6-87970872-A-G.
Other names: c.7105A>G, p.Asn2369Asp (NM_001351444.2); short protein forms N2369D, N2509D.
Identifiers: ClinVar variation 4688356 (VCV004688356.1).